The following is an entry in ClinVar:

NM_001197104.2(KMT2A):c.3401C>T (p.Pro1134Leu)

Gene: KMT2A (lysine methyltransferase 2A; plus strand). Cytogenetic location: 11q23.3.
Variant type: single nucleotide variant.
Coding change: c.3401C>T on transcript NM_001197104.2 (MANE Select); coding-DNA position 3401, C replaced by T.
Protein change: p.Pro1134Leu; replaces proline 1134 with leucine.
Molecular consequence: missense variant.
Genome position (GRCh38, 1-based): chr11:118,478,033, C>T. VCF-style: chr11-118478033-C-T. GRCh37 (hg19) VCF-style: chr11-118348748-C-T.
Other names: c.3500C>T, p.Pro1167Leu (NM_001412597.1); c.3401C>T, p.Pro1134Leu (NM_005933.4); short protein forms P1134L, P1167L.
Identifiers: ClinVar variation 3679959 (VCV003679959.2).
Genomic context (GRCh38, chr11:118,478,033, plus strand): 5'-CATCAATTGCTGGCTCAGAAGATGCTGAACCTCTTGCTCCACCCATCAAACCAATTAAAC[C>T]TGTCACTAGAAACAAGGCACCCCAGGAACCTCCAGTAAAGAAAGGACGTCGATCGAGGCG-3'
Protein context (NP_001184033.1, residues 1124-1144): PLAPPIKPIK[Pro1134Leu]VTRNKAPQEP

ClinVar aggregate classification (germline): Uncertain significance (1 of 4 stars; one submission).

gnomAD v4.1: 1 of 1,614,092 alleles (0.000062%); highest among the groups gnomAD compares: South Asian, 0.0011%; no homozygotes.

Submission:

Labcorp Genetics (formerly Invitae), Labcorp
Classification: Uncertain significance. Last evaluated: 2024-10-26. Review status: criteria provided, single submitter. Criteria: Invitae Variant Classification Sherloc (09022015). Collection method: clinical testing. Allele origin: germline.
Comment: This sequence change replaces proline, which is neutral and non-polar, with leucine, which is neutral and non-polar, at codon 1134 of the KMT2A protein (p.Pro1134Leu). This variant is present in population databases (no rsID available, gnomAD 0.003%). This variant has not been reported in the literature in individuals affected with KMT2A-related conditions. Invitae Evidence Modeling of protein sequence and biophysical properties (such as structural, functional, and spatial information, amino acid conservation, physicochemical variation, residue mobility, and thermodynamic stability) has been performed for this missense variant. However, the output from this modeling did not meet the statistical confidence thresholds required to predict the impact of this variant on KMT2A protein function. In summary, the available evidence is currently insufficient to determine the role of this variant in disease. Therefore, it has been classified as a Variant of Uncertain Significance.